The following is an entry in ClinVar:

ClinVar aggregate classification (germline): Pathogenic (1 of 4 stars; one submission).

Conditions:
Hereditary cancer-predisposing syndrome. Also called: Neoplastic Syndromes, Hereditary; Tumor predisposition; Hereditary Cancer Syndrome; Hereditary neoplastic syndrome. Identifiers: Orphanet 140162, MedGen C0027672, MeSH D009386, MONDO:0015356.

Submission:

Ambry Genetics
Classification: Pathogenic for Hereditary cancer-predisposing syndrome. Last evaluated: 2024-07-22. Review status: criteria provided, single submitter. Criteria: Ambry Variant Classification Scheme 2023. Collection method: clinical testing. Allele origin: germline.
Comment: The c.1348_1352delGTGTGinsT pathogenic mutation, located in coding exon 10 of the APC gene, results from the deletion of 5 nucleotides and insertion of one nucleotide causing a translational frameshift with a predicted alternate stop codon (p.V450Lfs*3). This variant is considered to be rare based on population cohorts in the Genome Aggregation Database (gnomAD). This alteration is expected to result in loss of function by premature protein truncation or nonsense-mediated mRNA decay. As such, this alteration is interpreted as a disease-causing mutation.

NM_000038.6(APC):c.1348_1352delinsT (p.Val450fs)

Gene: APC (APC regulator of Wnt signaling pathway; plus strand). Cytogenetic location: 5q22.2.
Variant type: Indel.
Coding change: c.1348_1352delinsT on transcript NM_000038.6 (MANE Select); coding-DNA positions 1348 to 1352, GTGTG replaced by T.
Protein change: p.Val450fs; shifts the reading frame from valine 450.
Molecular consequence: frameshift variant. On other transcripts: non-coding transcript variant (2).
Genome position (GRCh38, 1-based): chr5:112,821,931-112,821,935, GTGTG replaced by T. VCF-style: chr5-112821931-GTGTG-T. GRCh37 (hg19) VCF-style: chr5-112157628-GTGTG-T.
Other names: c.1348_1352delinsT, p.Val450fs (NM_001127510.3, NM_001354895.2, NM_001354896.2 and 4 more transcripts); c.1294_1298delinsT, p.Val432fs (NM_001127511.3); c.1378_1382delinsT, p.Val460fs (NM_001354897.2, NM_001407446.1); c.1273_1277delinsT, p.Val425fs (NM_001354898.2, NM_001407451.1); c.1264_1268delinsT, p.Val422fs (NM_001354899.2, NM_001407452.1); c.1171_1175delinsT, p.Val391fs (NM_001354900.2, NM_001354901.2, NM_001407453.1); c.1075_1079delinsT, p.Val359fs (NM_001354902.2); c.1045_1049delinsT, p.Val349fs (NM_001354903.2, NM_001407454.1, NM_001407455.1 and 5 more transcripts); and 5 more; short protein forms V167fs, V359fs, V425fs, V66fs, V321fs, V324fs, V432fs, V290fs.
Identifiers: ClinVar variation 3409530 (VCV003409530.1).